The following is an entry in ClinVar:

ClinVar aggregate classification (germline): Uncertain significance (1 of 4 stars; one submission).

Conditions:
Leigh syndrome (NULS). Also called: Leigh's necrotizing encephalopathy; Leigh's disease; Leigh Syndrome (mtDNA deletion); Leigh Disease; Subacute necrotizing encephalopathy; Necrotizing encephalopathy infantile subacute of Leigh. Identifiers: Orphanet 506, MedGen C2931891, MONDO:0009723, OMIM 256000.

Submission:

Wong Mito Lab, Molecular and Human Genetics, Baylor College of Medicine
Classification: Uncertain significance for Leigh syndrome. Last evaluated: 2019-10-17. Review status: criteria provided, single submitter. Criteria: Modified ACMG Guidelines (Unpublished). Collection method: clinical testing. Allele origin: germline.
Comment: The NC_012920.1:m.7814G>A (YP_003024029.1:p.Ala77Thr) variant in MTCO2 gene is interpretated to be a Uncertain Significance variant based on the modified ACMG guidelines (unpublished). This variant meets the following evidence codes: PP6

NC_012920.1(MT-CO2):m.7814G>A

Gene: MT-CO2 (mitochondrially encoded cytochrome c oxidase II; plus strand).
Variant type: single nucleotide variant.
Genome position: chrM-7814-G-A.
Identifiers: ClinVar variation 692783 (VCV000692783.1), dbSNP rs1603221156, ClinGen allele CA414793848.